The following is an entry in ClinVar:

ClinVar aggregate classification (germline): Uncertain significance. Review status: criteria provided, multiple submitters, no conflicts (2 of 4 stars). 2 submissions from 2 submitters: Uncertain significance (2). Last evaluated 2022-02-24.

Conditions:
Inborn genetic diseases. Identifiers: MedGen C0950123, MeSH D030342.

Allele frequency attached by ClinVar (database versions not stated): TOPMed 0.00001; gnomAD exomes 0.00002; gnomAD 0.00001.
gnomAD v4.1: 11 of 1,610,660 alleles (0.00068%); highest among the groups gnomAD compares: Admixed American, 0.018%; no homozygotes.

Submissions (2):

Labcorp Genetics (formerly Invitae), Labcorp
Classification: Uncertain significance. Last evaluated: 2022-02-24. Review status: criteria provided, single submitter. Criteria: Invitae Variant Classification Sherloc (09022015). Collection method: clinical testing. Allele origin: germline.
Comment: Algorithms developed to predict the effect of missense changes on protein structure and function (SIFT, PolyPhen-2, Align-GVGD) all suggest that this variant is likely to be disruptive. This sequence change replaces leucine, which is neutral and non-polar, with valine, which is neutral and non-polar, at codon 199 of the RETREG1 protein (p.Leu199Val). This variant is present in population databases (no rsID available, gnomAD 0.02%). This variant has not been reported in the literature in individuals affected with RETREG1-related conditions. ClinVar contains an entry for this variant (Variation ID: 845497). In summary, the available evidence is currently insufficient to determine the role of this variant in disease. Therefore, it has been classified as a Variant of Uncertain Significance.

Ambry Genetics
Classification: Uncertain significance for Inborn genetic diseases. Last evaluated: 2019-11-07. Review status: criteria provided, single submitter. Criteria: Ambry Variant Classification Scheme 2023. Collection method: clinical testing. Allele origin: germline.
Comment: The p.L199V variant (also known as c.595C>G), located in coding exon 5 of the FAM134B gene, results from a C to G substitution at nucleotide position 595. The leucine at codon 199 is replaced by valine, an amino acid with highly similar properties. This amino acid position is highly conserved in available vertebrate species. In addition, the in silico prediction for this alteration is inconclusive. Since supporting evidence is limited at this time, the clinical significance of this alteration remains unclear.

NM_001034850.3(RETREG1):c.595C>G (p.Leu199Val)

Gene: RETREG1 (reticulophagy regulator 1; minus strand). Cytogenetic location: 5p15.1.
Variant type: single nucleotide variant.
Coding change: c.595C>G on transcript NM_001034850.3 (MANE Select); coding-DNA position 595, C replaced by G.
Protein change: p.Leu199Val; replaces leucine 199 with valine.
Molecular consequence: missense variant.
Genome position (GRCh38, 1-based): chr5:16,481,084, G>C on the plus strand (C>G on the coding strand, the complement: RETREG1 is on the minus strand). VCF-style: chr5-16481084-G-C. GRCh37 (hg19) VCF-style: chr5-16481193-G-C.
Other names: c.172C>G, p.Leu58Val (NM_019000.5); short protein forms L58V, L199V.
Identifiers: ClinVar variation 845497 (VCV000845497.10), dbSNP rs1041379300, ClinGen allele CA114759686.